The following is an entry in ClinVar:

NC_012920.1(MT-ND2):m.4763C>A

Gene: MT-ND2 (mitochondrially encoded NADH dehydrogenase 2; plus strand).
Variant type: single nucleotide variant.
Genome position: chrM-4763-C-A.
Identifiers: ClinVar variation 692499 (VCV000692499.1), dbSNP rs1603219607, ClinGen allele CA913178675.

ClinVar aggregate classification (germline): Likely benign (1 of 4 stars; one submission).

Conditions:
Leigh syndrome (NULS). Also called: Leigh's necrotizing encephalopathy; Leigh's disease; Leigh Syndrome (mtDNA deletion); Leigh Disease; Subacute necrotizing encephalopathy; Necrotizing encephalopathy infantile subacute of Leigh. Identifiers: Orphanet 506, MedGen C2931891, MONDO:0009723, OMIM 256000.

Submission:

Wong Mito Lab, Molecular and Human Genetics, Baylor College of Medicine
Classification: Likely benign for Leigh syndrome. Last evaluated: 2019-10-17. Review status: criteria provided, single submitter. Criteria: Modified ACMG Guidelines (Unpublished). Collection method: clinical testing. Allele origin: germline.
Comment: The NC_012920.1:m.4763C>A (YP_003024027.1:p.Ile98Met) variant in MTND2 gene is interpretated to be a Likely Benign variant based on the modified ACMG guidelines (unpublished). This variant meets the following evidence codes: BP4, BP5

Literature cited by the submitters: PubMed 18682780.